The following is an entry in ClinVar:

ClinVar aggregate classification (germline): Benign/Likely benign. Review status: criteria provided, multiple submitters, no conflicts (2 of 4 stars). 5 submissions from 5 submitters: Benign (2); Likely benign (2). 1 of the submissions does not count toward it. Last evaluated 2026-02-04.

Conditions:
Hereditary cancer-predisposing syndrome. Also called: Tumor predisposition; Hereditary neoplastic syndrome; Hereditary Cancer Syndrome; Neoplastic Syndromes, Hereditary. Identifiers: Orphanet 140162, MedGen C0027672, MeSH D009386, MONDO:0015356.
EGFR-related lung cancer (EGFR). Identifiers: MedGen CN130014.

Allele frequency attached by ClinVar (database versions not stated): ExAC 0.00251; 1000 Genomes Project 30x 0.00828; 1000 Genomes Project 0.00839; gnomAD 0.00841; TOPMed 0.00908; ESP Exome Variant Server 0.00953.
gnomAD v4.1: 2,598 of 1,614,122 alleles (0.16%); highest among the groups gnomAD compares: African/African-American, 2.9%; 47 homozygotes.

Submissions (5):

Labcorp Genetics (formerly Invitae), Labcorp
Classification: Benign for EGFR-related lung cancer. Last evaluated: 2026-02-04. Review status: criteria provided, single submitter. Criteria: Invitae Variant Classification Sherloc (09022015). Collection method: clinical testing. Allele origin: germline.

Mayo Clinic Laboratories, Mayo Clinic
Classification: Likely benign. Last evaluated: 2025-08-22. Review status: criteria provided, single submitter. Criteria: ACMG Guidelines, 2015. Collection method: clinical testing. Allele origin: germline. Observed: 1 variant allele.
Comment: BS1, BP4, BP7

Ambry Genetics
Classification: Likely benign for Hereditary cancer-predisposing syndrome. Last evaluated: 2024-08-09. Review status: criteria provided, single submitter. Criteria: Ambry Variant Classification Scheme 2023. Collection method: clinical testing. Allele origin: germline.

Breakthrough Genomics
Classification: Benign. Review status: criteria provided, single submitter. Criteria: ACMG Guidelines, 2015. Collection method: not provided. Allele origin: germline. Inheritance: Autosomal recessive inheritance. Affected: yes.

Genetic Services Laboratory, University of Chicago
Classification: Benign. Last evaluated: 2022-05-12. Review status: no assertion criteria provided. Collection method: clinical testing. Allele origin: germline. Affected: no. Not counted in ClinVar's aggregate classification.

NM_005228.5(EGFR):c.1788G>A (p.Pro596=)

Gene: EGFR (epidermal growth factor receptor; plus strand). Cytogenetic location: 7p11.2.
Variant type: single nucleotide variant.
Coding change: c.1788G>A on transcript NM_005228.5 (MANE Select); coding-DNA position 1788, G replaced by A.
Protein change: p.Pro596=; no amino-acid change (proline 596 retained).
Molecular consequence: synonymous variant.
Genome position (GRCh38, 1-based): chr7:55,165,345, G>A. VCF-style: chr7-55165345-G-A. GRCh37 (hg19) VCF-style: chr7-55233038-G-A.
Other names: p.Pro596=; c.1653G>A, p.Pro551= (NM_001346897.2, NM_001346899.2); c.1788G>A, p.Pro596= (NM_001346898.2, NM_201282.2, NM_201284.2); c.1629G>A, p.Pro543= (NM_001346900.2); c.987G>A, p.Pro329= (NM_001346941.2); c.1788G>A (NM_005228.4).
Identifiers: ClinVar variation 782268 (VCV000782268.14), dbSNP rs17290162, ClinGen allele CA4265694.